The following is an entry in ClinVar:

ClinVar aggregate classification (germline): Conflicting classifications of pathogenicity. Review status: criteria provided, conflicting classifications (1 of 4 stars). 2 submissions from 2 submitters: Likely pathogenic (1); Uncertain significance (1). Last evaluated 2025-09-24.

Allele frequency attached by ClinVar (database versions not stated): ExAC 0.00001.
gnomAD v4.1: 2 of 1,614,088 alleles (0.00012%); highest among the groups gnomAD compares: East Asian, 0.0045%; no homozygotes.

Submissions (2):

Women's Health and Genetics/Laboratory Corporation of America, LabCorp
Classification: Uncertain significance. Last evaluated: 2025-09-24. Review status: criteria provided, single submitter. Criteria: LabCorp Variant Classification Summary - May 2015. Collection method: clinical testing. Allele origin: germline.
Comment: Variant summary: SH3TC2 c.3272G>T (p.Gly1091Val) results in a non-conservative amino acid change in the encoded protein sequence. Algorithms developed to predict the effect of missense changes on protein structure and function all suggest that this variant is likely to be disruptive. The variant allele was found at a frequency of 4e-06 in 251342 control chromosomes. c.3272G>T has been observed in two individuals affected with Charcot-Marie-Tooth disease type 4C (Lee_2019, Nam_2016). These data indicate that the variant may be associated with disease. To our knowledge, no experimental evidence demonstrating an impact on protein function has been reported. The following publications have been ascertained in the context of this evaluation (PMID: 31227790, 27025386). ClinVar contains an entry for this variant (Variation ID: 1806773). Based on the evidence outlined above, the variant was classified as VUS-possibly pathogenic.

GeneDx
Classification: Likely pathogenic. Last evaluated: 2022-06-21. Review status: criteria provided, single submitter. Criteria: GeneDx Variant Classification Process June 2021. Collection method: clinical testing. Allele origin: germline. Affected: yes.
Comment: Not observed at significant frequency in large population cohorts (gnomAD); In silico analysis supports that this missense variant has a deleterious effect on protein structure/function; This variant is associated with the following publications: (PMID: 27025386, 31227790)

Literature cited by the submitters: PubMed 31227790 (cited by Women's Health and Genetics/Laboratory Corporation of America, LabCorp); PubMed 27025386 (cited by Women's Health and Genetics/Laboratory Corporation of America, LabCorp).

NM_024577.4(SH3TC2):c.3272G>T (p.Gly1091Val)

Gene: SH3TC2 (SH3 domain and tetratricopeptide repeats 2; minus strand). Cytogenetic location: 5q32.
Variant type: single nucleotide variant.
Coding change: c.3272G>T on transcript NM_024577.4 (MANE Select); coding-DNA position 3272, G replaced by T.
Protein change: p.Gly1091Val; replaces glycine 1091 with valine.
Molecular consequence: missense variant.
Genome position (GRCh38, 1-based): chr5:149,010,325, C>A on the plus strand (G>T on the coding strand, the complement: SH3TC2 is on the minus strand). VCF-style: chr5-149010325-C-A. GRCh37 (hg19) VCF-style: chr5-148389888-C-A.
Other names: short protein forms G1091V.
Identifiers: ClinVar variation 1806773 (VCV001806773.2), dbSNP rs761592620, ClinGen allele CA3498797.